The following is an entry in ClinVar:

NM_024548.4(CEP97):c.2442C>A (p.Asp814Glu)

Gene: CEP97 (centrosomal protein 97; plus strand). Cytogenetic location: 3q12.3.
Variant type: single nucleotide variant.
Coding change: c.2442C>A on transcript NM_024548.4 (MANE Select); coding-DNA position 2442, C replaced by A.
Protein change: p.Asp814Glu; replaces aspartic acid 814 with glutamic acid.
Molecular consequence: missense variant.
Genome position (GRCh38, 1-based): chr3:101,765,395, C>A. VCF-style: chr3-101765395-C-A. GRCh37 (hg19) VCF-style: chr3-101484239-C-A.
Other names: c.2265C>A, p.Asp755Glu (NM_001303401.2); c.2340C>A, p.Asp780Glu (NM_001410784.1); c.2163C>A, p.Asp721Glu (NM_001410785.1); short protein forms D755E, D721E, D780E, D814E.
Identifiers: ClinVar variation 2920540 (VCV002920540.3), dbSNP rs369537927, ClinGen allele CA2522325.

ClinVar aggregate classification (germline): Uncertain significance (1 of 4 stars; one submission).

Allele frequency attached by ClinVar (database versions not stated): ExAC 0.00002.
gnomAD v4.1: 83 of 1,613,988 alleles (0.0051%); highest among the groups gnomAD compares: Non-Finnish European, 0.0068%; no homozygotes.

Submission:

Labcorp Genetics (formerly Invitae), Labcorp
Classification: Uncertain significance. Last evaluated: 2024-12-19. Review status: criteria provided, single submitter. Criteria: Invitae Variant Classification Sherloc (09022015). Collection method: clinical testing. Allele origin: germline.
Comment: This sequence change replaces aspartic acid, which is acidic and polar, with glutamic acid, which is acidic and polar, at codon 814 of the CEP97 protein (p.Asp814Glu). This variant is present in population databases (rs369537927, gnomAD 0.007%). This variant has not been reported in the literature in individuals affected with CEP97-related conditions. ClinVar contains an entry for this variant (Variation ID: 2920540). Invitae Evidence Modeling of protein sequence and biophysical properties (such as structural, functional, and spatial information, amino acid conservation, physicochemical variation, residue mobility, and thermodynamic stability) indicates that this missense variant is not expected to disrupt CEP97 protein function with a negative predictive value of 80%. In summary, the available evidence is currently insufficient to determine the role of this variant in disease. Therefore, it has been classified as a Variant of Uncertain Significance.